The following is an entry in ClinVar:

NM_003072.5(SMARCA4):c.4911+3G>A

Gene: SMARCA4 (SWI/SNF related BAF chromatin remodeling complex subunit ATPase 4; plus strand). Cytogenetic location: 19p13.2.
Variant type: single nucleotide variant.
Coding change: c.4911+3G>A on transcript NM_003072.5 (MANE Select); 3 bases into the intron after coding-DNA position 4911, G replaced by A.
Molecular consequence: intron variant.
Genome position (GRCh38, 1-based): chr19:11,060,190, G>A. VCF-style: chr19-11060190-G-A. GRCh37 (hg19) VCF-style: chr19-11170866-G-A.
Other names: c.4911+3G>A (NM_001128844.3); c.5007+3G>A (NM_001128849.3); c.4812+3G>A (NM_001128847.4, NM_001374457.1); c.4821+3G>A (NM_001128845.2); c.4818+3G>A (NM_001128846.2); c.4809+3G>A (NM_001128848.2).
Identifiers: ClinVar variation 842819 (VCV000842819.10), dbSNP rs2076783963, ClinGen allele CA916083680.

ClinVar aggregate classification (germline): Uncertain significance. Review status: criteria provided, multiple submitters, no conflicts (2 of 4 stars). 3 submissions from 3 submitters: Uncertain significance (3). Last evaluated 2025-01-14.

Conditions:
Rhabdoid tumor predisposition syndrome 2 (RTPS2). Identifiers: Orphanet 231108, Orphanet 69077, MedGen C2750074, MONDO:0013224, OMIM 613325.
Hereditary cancer-predisposing syndrome. Also called: Hereditary Cancer Syndrome; Hereditary neoplastic syndrome; Tumor predisposition; Neoplastic Syndromes, Hereditary. Identifiers: Orphanet 140162, MedGen C0027672, MeSH D009386, MONDO:0015356.

Submissions (3):

Ambry Genetics
Classification: Uncertain significance for Hereditary cancer-predisposing syndrome. Last evaluated: 2025-01-14. Review status: criteria provided, single submitter. Criteria: Ambry Variant Classification Scheme 2023. Collection method: clinical testing. Allele origin: germline.
Comment: The c.5007+3G>A intronic variant results from a G to A substitution 3 nucleotides after coding exon 34 in the SMARCA4 gene. This nucleotide position is not well conserved in available vertebrate species. In silico splice site analysis predicts that this alteration will not have any significant effect on splicing. Based on the available evidence, the clinical significance of this variant remains unclear.

Sema4
Classification: Uncertain significance for Hereditary cancer-predisposing syndrome. Last evaluated: 2021-11-18. Review status: criteria provided, single submitter. Criteria: Sema4 Curation Guidelines. Collection method: curation. Allele origin: germline.
Comment: The SMARCA4 c.5007+3G>A variant has not been reported in the literature to our knowledge. It was not observed in the large and broad cohorts of the Genome Aggregation Database. The variant has been reported in ClinVar (Variation ID: 842819). Splice site prediction tools suggest the variant may not disrupt normal splicing, however these predictions have not been confirmed by transcriptional studies. The evidence is insufficient to meet ACMG/AMP criteria for classifying the variant as benign or pathogenic. Thus, the clinical significance of this variant is currently uncertain.

Labcorp Genetics (formerly Invitae), Labcorp
Classification: Uncertain significance for Rhabdoid tumor predisposition syndrome 2. Last evaluated: 2019-04-10. Review status: criteria provided, single submitter. Criteria: Invitae Variant Classification Sherloc (09022015). Collection method: clinical testing. Allele origin: germline.
Comment: This sequence change falls in intron 35 of the SMARCA4 gene. It does not directly change the encoded amino acid sequence of the SMARCA4 protein, but it affects a nucleotide within the consensus splice site of the intron. This variant is not present in population databases (ExAC no frequency). This variant has not been reported in the literature in individuals with SMARCA4-related conditions. Nucleotide substitutions within the consensus splice site are a relatively common cause of aberrant splicing (PMID: 17576681, 9536098). Algorithms developed to predict the effect of sequence changes on RNA splicing suggest that this variant is not likely to affect RNA splicing, but this prediction has not been confirmed by published transcriptional studies. In summary, the available evidence is currently insufficient to determine the role of this variant in disease. Therefore, it has been classified as a Variant of Uncertain Significance.

Literature cited by the submitters: PubMed 17576681 (cited by Labcorp Genetics (formerly Invitae), Labcorp); PubMed 9536098 (cited by Labcorp Genetics (formerly Invitae), Labcorp).